The following is an entry in ClinVar:

NM_000321.3(RB1):c.2565C>T (p.Ser855=)

Gene: RB1 (RB transcriptional corepressor 1; plus strand). Cytogenetic location: 13q14.2.
Variant type: single nucleotide variant.
Coding change: c.2565C>T on transcript NM_000321.3 (MANE Select); coding-DNA position 2565, C replaced by T.
Protein change: p.Ser855=; no amino-acid change (serine 855 retained).
Molecular consequence: synonymous variant.
Genome position (GRCh38, 1-based): chr13:48,476,745, C>T. VCF-style: chr13-48476745-C-T. GRCh37 (hg19) VCF-style: chr13-49050881-C-T.
Identifiers: ClinVar variation 1095378 (VCV001095378.13), dbSNP rs2138359118, ClinGen allele CA483560926.

ClinVar aggregate classification (germline): Likely benign. Review status: criteria provided, multiple submitters, no conflicts (2 of 4 stars). 5 submissions from 5 submitters: Likely benign (5). Last evaluated 2024-06-18.

Conditions:
Retinoblastoma (RB1). Also called: RETINOBLASTOMA, SOMATIC. Identifiers: Orphanet 790, MedGen C0035335, MeSH D012175, MONDO:0008380, OMIM 180200, HP:0009919. Disease mechanism: loss of function. Inheritance: Both sporadic and heritable forms are tested..
Hereditary cancer-predisposing syndrome. Also called: Neoplastic Syndromes, Hereditary; Hereditary Cancer Syndrome; Hereditary neoplastic syndrome; Tumor predisposition. Identifiers: Orphanet 140162, MedGen C0027672, MeSH D009386, MONDO:0015356.

Allele frequency attached by ClinVar (database versions not stated): gnomAD exomes below 0.00001.
gnomAD v4.1: 1 of 1,613,292 alleles (0.000062%); highest among the groups gnomAD compares: Non-Finnish European, 0.000085%; no homozygotes.

Submissions (5):

Ambry Genetics
Classification: Likely benign for Hereditary cancer-predisposing syndrome. Last evaluated: 2024-06-18. Review status: criteria provided, single submitter. Criteria: Ambry Variant Classification Scheme 2023. Collection method: clinical testing. Allele origin: germline.

Blueprint Genetics
Classification: Likely benign. Last evaluated: 2023-10-20. Review status: criteria provided, single submitter. Criteria: ACMG Guidelines, 2015. Collection method: clinical testing. Allele origin: germline.

All of Us Research Program, National Institutes of Health
Classification: Likely benign for Retinoblastoma. Last evaluated: 2023-09-17. Review status: criteria provided, single submitter. Criteria: ACMG Guidelines, 2015. Collection method: clinical testing. Allele origin: germline. Inheritance: Autosomal dominant inheritance. Observed: 1 variant allele, 1 heterozygote.
Comment: This study involves interpretation of variants in research participants for the purpose of population health screening. Participant phenotype was not available at the time of variant classification. Additional details can be found in publication PMID: 35346344, PMCID: PMC8962531

Labcorp Genetics (formerly Invitae), Labcorp
Classification: Likely benign for Retinoblastoma. Last evaluated: 2023-02-26. Review status: criteria provided, single submitter. Criteria: Invitae Variant Classification Sherloc (09022015). Collection method: clinical testing. Allele origin: germline.

Sema4
Classification: Likely benign for Hereditary cancer-predisposing syndrome. Last evaluated: 2020-11-06. Review status: criteria provided, single submitter. Criteria: Sema4 Curation Guidelines. Collection method: curation. Allele origin: germline.